The following is an entry in ClinVar:

ClinVar aggregate classification (germline): Pathogenic. Review status: reviewed by expert panel (3 of 4 stars). 14 submissions from 14 submitters: Pathogenic (1). 13 of the submissions do not count toward it. Last evaluated 2016-09-08.

Conditions:
Low grade glioma. Identifiers: MedGen C1997217, MONDO:0021637.
Hereditary cancer-predisposing syndrome. Also called: Tumor predisposition; Neoplastic Syndromes, Hereditary; Hereditary neoplastic syndrome; Hereditary Cancer Syndrome. Identifiers: Orphanet 140162, MedGen C0027672, MeSH D009386, MONDO:0015356.
Hereditary breast ovarian cancer syndrome. Also called: Hereditary breast and ovarian cancer; Hereditary breast and ovarian cancer syndrome (HBOC); Hereditary breast and/or ovarian cancer syndrome; Breast and ovarian cancer; Hereditary breast and ovarian cancer syndrome; BRCA1- and BRCA2-Associated Hereditary Breast and Ovarian Cancer. Identifiers: Orphanet 145, MedGen C0677776, MeSH D061325, MONDO:0003582. Disease mechanism: loss of function.
Breast-ovarian cancer, familial, susceptibility to, 2 (BROVCA2). Also called: BRCA2 Hereditary Breast and Ovarian Cancer. Identifiers: Orphanet 145, MedGen C2675520, MONDO:0012933, OMIM 612555. Disease mechanism: loss of function.
Familial cancer of breast. Also called: Hereditary breast cancer; BREAST CANCER, FAMILIAL; hereditary breast carcinoma. Identifiers: Orphanet 227535, MedGen C0346153, MONDO:0016419, OMIM 114480. Disease mechanism: loss of function.
Malignant tumor of breast. Also called: Malignant breast neoplasm; Cancer breast. Identifiers: MedGen C0006142, MONDO:0007254. Disease mechanism: loss of function.

gnomAD v4.1: 2 of 1,613,228 alleles (0.00012%); highest among the groups gnomAD compares: Non-Finnish European, 0.00017%; no homozygotes.

Submissions (14):

Evidence-based Network for the Interpretation of Germline Mutant Alleles (ENIGMA)
Classification: Pathogenic for Breast-ovarian cancer, familial, susceptibility to, 2. Last evaluated: 2016-09-08. Review status: reviewed by expert panel. Criteria: ENIGMA BRCA1/2 Classification Criteria (2015). Collection method: curation. Allele origin: germline.
Comment: Variant allele predicted to encode a truncated non-functional protein.

Ambry Genetics
Classification: Pathogenic for Hereditary cancer-predisposing syndrome. Last evaluated: 2025-05-20. Review status: criteria provided, single submitter. Criteria: Ambry Variant Classification Scheme 2023. Collection method: clinical testing. Allele origin: germline. Not counted in ClinVar's aggregate classification.
Comment: The p.E1928* pathogenic mutation (also known as c.5782G>T), located in coding exon 10 of the BRCA2 gene, results from a G to T substitution at nucleotide position 5782. This changes the amino acid from a glutamic acid to a stop codon within coding exon 10. This alteration is expected to result in loss of function by premature protein truncation or nonsense-mediated mRNA decay. As such, this alteration is interpreted as a disease-causing mutation.

Labcorp Genetics (formerly Invitae), Labcorp
Classification: Pathogenic for Hereditary breast ovarian cancer syndrome. Last evaluated: 2024-09-16. Review status: criteria provided, single submitter. Criteria: Invitae Variant Classification Sherloc (09022015). Collection method: clinical testing. Allele origin: germline. Not counted in ClinVar's aggregate classification.
Comment: This sequence change creates a premature translational stop signal (p.Glu1928*) in the BRCA2 gene. It is expected to result in an absent or disrupted protein product. Loss-of-function variants in BRCA2 are known to be pathogenic (PMID: 20104584). This variant is not present in population databases (gnomAD no frequency). This premature translational stop signal has been observed in individual(s) with breast cancer (PMID: 15519522). ClinVar contains an entry for this variant (Variation ID: 37996). For these reasons, this variant has been classified as Pathogenic.

Women's Health and Genetics/Laboratory Corporation of America, LabCorp
Classification: Pathogenic for Hereditary breast ovarian cancer syndrome. Last evaluated: 2024-07-11. Review status: criteria provided, single submitter. Criteria: LabCorp Variant Classification Summary - May 2015. Collection method: clinical testing. Allele origin: germline. Not counted in ClinVar's aggregate classification.
Comment: Variant summary: BRCA2 c.5782G>T (p.Glu1928X) results in a premature termination codon, predicted to cause a truncation of the encoded protein or absence of the protein due to nonsense mediated decay, which are commonly known mechanisms for disease. The variant allele was found at a frequency of 4e-06 in 250586 control chromosomes. c.5782G>T has been reported in the literature in individuals affected with Hereditary Breast And Ovarian Cancer Syndrome (e.g. Palli_2004). These data indicate that the variant may be associated with disease. To our knowledge, no experimental evidence demonstrating an impact on protein function has been reported. The following publication have been ascertained in the context of this evaluation (PMID: 15519522). ClinVar contains an entry for this variant (Variation ID: 37996). Based on the evidence outlined above, the variant was classified as pathogenic.

Quest Diagnostics Nichols Institute San Juan Capistrano
Classification: Pathogenic. Last evaluated: 2024-01-30. Review status: criteria provided, single submitter. Criteria: Quest Diagnostics criteria. Collection method: clinical testing. Allele origin: unknown. Not counted in ClinVar's aggregate classification.
Comment: The BRCA2 c.5782G>T (p.Glu1928*) variant causes the premature termination of BRCA2 protein synthesis. This variant has been reported in the published literature in individuals affected with breast cancer (PMIDs: 38136276 (2023), 15519522 (2004)). The frequency of this variant in the general population, 0.000004 (1/250586 chromosomes (Genome Aggregation Database)), is consistent with pathogenicity. Based on the available information, this variant is classified as pathogenic.

All of Us Research Program, National Institutes of Health
Classification: Pathogenic for Breast-ovarian cancer, familial, susceptibility to, 2. Last evaluated: 2023-08-15. Review status: criteria provided, single submitter. Criteria: ACMG Guidelines, 2015. Collection method: clinical testing. Allele origin: germline. Inheritance: Autosomal dominant inheritance. Observed: 1 variant allele, 1 heterozygote. Not counted in ClinVar's aggregate classification.
Comment: This variant changes 1 nucleotide in exon 11 of the BRCA2 gene, creating a premature translation stop signal. This variant is expected to result in an absent or non-functional protein product. To our knowledge, functional studies have not been reported for this variant. This variant has been reported in individuals affected with breast/ovarian cancer (PMID: 12048272, 18819001, 27153395). This variant has been identified in 1/250586 chromosomes in the general population by the Genome Aggregation Database (gnomAD). Loss of BRCA2 function is a known mechanism of disease. Based on the available evidence, this variant is classified as Pathogenic.

This study involves interpretation of variants in research participants for the purpose of population health screening. Participant phenotype was not available at the time of variant classification. Additional details can be found in publication PMID: 35346344, PMCID: PMC8962531

Baylor Genetics
Classification: Pathogenic for Familial cancer of breast. Last evaluated: 2023-05-22. Review status: criteria provided, single submitter. Criteria: ACMG Guidelines, 2015. Collection method: clinical testing. Allele origin: unknown. Not counted in ClinVar's aggregate classification.

Color Diagnostics, LLC DBA Color Health
Classification: Pathogenic for Hereditary cancer-predisposing syndrome. Last evaluated: 2022-11-15. Review status: criteria provided, single submitter. Criteria: ACMG Guidelines, 2015. Collection method: clinical testing. Allele origin: germline. Not counted in ClinVar's aggregate classification.
Comment: This variant changes 1 nucleotide in exon 11 of the BRCA2 gene, creating a premature translation stop signal. This variant is also known as 6010G>T in the literature. This variant is expected to result in an absent or non-functional protein product. This variant has been reported in individuals affected with breast/ovarian cancer (PMID: 12048272, 18819001, 27153395). This variant has been identified in 1/250586 chromosomes in the general population by the Genome Aggregation Database (gnomAD). Loss of BRCA2 function is a known mechanism of disease. Based on the available evidence, this variant is classified as Pathogenic.

Consortium of Investigators of Modifiers of BRCA1/2 (CIMBA), c/o University of Cambridge
Classification: Pathogenic for Breast-ovarian cancer, familial, susceptibility to, 2. Last evaluated: 2015-10-02. Review status: criteria provided, single submitter. Criteria: CIMBA Mutation Classification guidelines May 2016. Collection method: clinical testing. Allele origin: germline. Not counted in ClinVar's aggregate classification.

Laboratory of Medical Genetics Unit, Bambino Gesù Children's Hospital
Classification: Pathogenic for Low grade glioma. Review status: criteria provided, single submitter. Criteria: ACMG Guidelines, 2015. Collection method: research. Allele origin: germline. Not counted in ClinVar's aggregate classification.
Comment: The NM_000059.4 (BRCA2): c.[5782G>T];[=] p.[(Glu1928Ter)];[(=)] is reported in GnomAD with an allele Frequency (AF) <0.01%; it is annotated on Clinvar as pathogenic, associated with Hereditary Cancer-predisposing Syndrome [RCV000581432] and Hereditary Breast Ovarian Cancer Syndrome [RCV000044754]. The variant is reported in the literature, and it is classified as a pathogenic variant following the ACMG criteria (PVS1, PM2, PS4, PP5).

Research Molecular Genetics Laboratory, Women's College Hospital, University of Toronto
Classification: Pathogenic for Hereditary breast ovarian cancer syndrome. Last evaluated: 2014-01-31. Review status: no assertion criteria provided. Collection method: research. Allele origin: germline. Affected: yes. Study: The Canadian Open Genetics Repository (COGR). Not counted in ClinVar's aggregate classification.

Sharing Clinical Reports Project (SCRP)
Classification: Pathogenic for Breast-ovarian cancer, familial 2. Last evaluated: 2012-05-01. Review status: no assertion criteria provided. Collection method: clinical testing. Allele origin: germline. Not counted in ClinVar's aggregate classification.

Breast Cancer Information Core (BIC) (BRCA2)
Classification: Pathogenic for Breast-ovarian cancer, familial 2. Last evaluated: 1999-04-13. Review status: no assertion criteria provided. Collection method: clinical testing. Allele origin: germline. Affected: yes. Observed: 3 variant alleles. Not counted in ClinVar's aggregate classification.

Department of Pathology and Laboratory Medicine, Sinai Health System
Classification: Pathogenic for Malignant tumor of breast. Review status: no assertion criteria provided. Collection method: clinical testing. Allele origin: unknown. Affected: yes. Study: The Canadian Open Genetics Repository (COGR). Not counted in ClinVar's aggregate classification.
Comment: BRCA2, EXON11, c.5782G>T, p.Glu1928*, Heterozygous, PathogenicrnThe BRCA2 p.Glu1928* variant was identified in 1 of 1298 proband chromosomes (frequency: 0.0008) from Brazilian individuals or families with HBOC (Palmero 2018). The variant was also identified in dbSNP (ID: rs56253082) as â€šÃ„ÃºWith Pathogenic, Uncertain significance alleleâ€šÃ„Ã¹, ClinVar (classified as pathogenic by an ENIGMA expert panel, Invitae, CIMBA, Color, BIC, and SCRP), LOVD 3.0 (1x), and UMD-LSDB (3x, classified as 5-causal). The variant was not identified in the following control databases: the Exome Aggregation Consortium (August 8th 2016) or the Genome Aggregation Database (Feb 27, 2017). The c.5782G>T variant leads to a premature stop codon at position 1928, which is predicted to lead to a truncated or absent protein and loss of function. Loss of function variants of the BRCA2 gene are an established mechanism of disease in hereditary breast and ovarian cancer and is the type of variant expected to cause the disorder. In summary, based on the above information, this variant meets our laboratoryâ€šÃ„Ã´s criteria to be classified as pathogenic. Assessment Date: 2019/07/04. References (PMIDs): 29907814.

Literature cited by the submitters: PubMed 15519522 (cited by 4 submitters); PubMed 25525159 (cited by Ambry Genetics); PubMed 20104584 (cited by Labcorp Genetics (formerly Invitae), Labcorp); PubMed 38136276 (cited by Quest Diagnostics Nichols Institute San Juan Capistrano); PubMed 12048272 (cited by All of Us Research Program, National Institutes of Health and Color Diagnostics, LLC DBA Color Health); PubMed 18819001 (cited by All of Us Research Program, National Institutes of Health and Color Diagnostics, LLC DBA Color Health); PubMed 27153395 (cited by All of Us Research Program, National Institutes of Health and Color Diagnostics, LLC DBA Color Health).

NM_000059.4(BRCA2):c.5782G>T (p.Glu1928Ter)

Gene: BRCA2 (BRCA2 DNA repair associated; plus strand). Cytogenetic location: 13q13.1.
Variant type: single nucleotide variant.
Coding change: c.5782G>T on transcript NM_000059.4 (MANE Select); coding-DNA position 5782, G replaced by T.
Protein change: p.Glu1928Ter; replaces glutamic acid 1928 with a stop codon.
Molecular consequence: nonsense.
Genome position (GRCh38, 1-based): chr13:32,340,137, G>T. VCF-style: chr13-32340137-G-T. GRCh37 (hg19) VCF-style: chr13-32914274-G-T.
Other names: 6010G>T; short protein forms E1928*.
Identifiers: ClinVar variation 37996 (VCV000037996.29), dbSNP rs56253082, ClinGen allele CA023221.